The following is an entry in ClinVar:

ClinVar aggregate classification (germline): Pathogenic (1 of 4 stars; one submission).

Conditions:
Hereditary cancer-predisposing syndrome. Also called: Neoplastic Syndromes, Hereditary; Tumor predisposition; Hereditary neoplastic syndrome; Hereditary Cancer Syndrome. Identifiers: Orphanet 140162, MedGen C0027672, MeSH D009386, MONDO:0015356.

Submission:

Ambry Genetics
Classification: Pathogenic for Hereditary cancer-predisposing syndrome. Last evaluated: 2023-11-27. Review status: criteria provided, single submitter. Criteria: Ambry Variant Classification Scheme 2023. Collection method: clinical testing. Allele origin: germline.
Comment: The c.8117delA pathogenic mutation, located in coding exon 17 of the BRCA2 gene, results from a deletion of one nucleotide at nucleotide position 8117, causing a translational frameshift with a predicted alternate stop codon (p.N2706Ifs*27). This alteration is expected to result in loss of function by premature protein truncation or nonsense-mediated mRNA decay. As such, this alteration is interpreted as a disease-causing mutation.

NM_000059.4(BRCA2):c.8117del (p.Asn2706fs)

Gene: BRCA2 (BRCA2 DNA repair associated; plus strand). Cytogenetic location: 13q13.1.
Variant type: Deletion.
Coding change: c.8117del on transcript NM_000059.4 (MANE Select); coding-DNA position 8117, one base deleted (A; older notation c.8117delA).
Protein change: p.Asn2706fs; shifts the reading frame from asparagine 2706.
Molecular consequence: frameshift variant. On other transcripts: non-coding transcript variant (1).
Genome position (GRCh38, 1-based): chr13:32,363,319, A deleted; the last of 2 consecutive A bases (chr13:32,363,318-32,363,319); deleting either gives the same sequence. VCF-style (leftmost placement, unchanged base first): chr13-32363317-CA-C. GRCh37 (hg19) VCF-style: chr13-32937454-CA-C.
Other names: c.8021del, p.Asn2674fs (NM_001406719.1); c.8117del, p.Asn2706fs (NM_001406720.1); c.3185del, p.Asn1062fs (NM_001406721.1); c.1700del, p.Asn567fs (NM_001406722.1); short protein forms N1062fs, N2674fs, N2706fs, N567fs.
Identifiers: ClinVar variation 3229124 (VCV003229124.1), dbSNP rs2548546440, ClinGen allele CA2825002150.